The following is an entry in ClinVar:

ClinVar aggregate classification (germline): Uncertain significance (1 of 4 stars; one submission).

Allele frequency attached by ClinVar (database versions not stated): ExAC 0.00001; gnomAD 0.00001.
gnomAD v4.1: 12 of 1,613,852 alleles (0.00074%); highest among the groups gnomAD compares: Non-Finnish European, 0.001%; no homozygotes.

Submission:

Labcorp Genetics (formerly Invitae), Labcorp
Classification: Uncertain significance. Last evaluated: 2025-03-17. Review status: criteria provided, single submitter. Criteria: Invitae Variant Classification Sherloc (09022015). Collection method: clinical testing. Allele origin: germline.
Comment: This sequence change replaces aspartic acid, which is acidic and polar, with glutamic acid, which is acidic and polar, at codon 157 of the DNM1L protein (p.Asp157Glu). This variant is not present in population databases (gnomAD no frequency). This variant has not been reported in the literature in individuals affected with DNM1L-related conditions. ClinVar contains an entry for this variant (Variation ID: 1353509). An algorithm developed to predict the effect of missense changes on protein structure and function (PolyPhen-2) suggests that this variant is likely to be disruptive. In summary, the available evidence is currently insufficient to determine the role of this variant in disease. Therefore, it has been classified as a Variant of Uncertain Significance.

NM_012062.5(DNM1L):c.471T>A (p.Asp157Glu)

Gene: DNM1L (dynamin 1 like; plus strand). Cytogenetic location: 12p11.21.
Variant type: single nucleotide variant.
Coding change: c.471T>A on transcript NM_012062.5 (MANE Select); coding-DNA position 471, T replaced by A.
Protein change: p.Asp157Glu; replaces aspartic acid 157 with glutamic acid.
Molecular consequence: missense variant. On other transcripts: intron variant (1).
Genome position (GRCh38, 1-based): chr12:32,713,223, T>A. VCF-style: chr12-32713223-T-A. GRCh37 (hg19) VCF-style: chr12-32866157-T-A.
Other names: c.471T>A, p.Asp157Glu (NM_001278463.2, NM_005690.5, NM_012063.4); c.510T>A, p.Asp170Glu (NM_001278464.2, NM_001278465.2, NM_001330380.2); c.131+5810T>A (NM_001278466.2); short protein forms D157E, D170E.
Identifiers: ClinVar variation 1353509 (VCV001353509.8), dbSNP rs776124108, ClinGen allele CA6507356.